The following is an entry in ClinVar:

NM_001184.4(ATR):c.7784T>C (p.Ile2595Thr)

Gene: ATR (ATR checkpoint kinase; minus strand). Cytogenetic location: 3q23.
Variant type: single nucleotide variant.
Coding change: c.7784T>C on transcript NM_001184.4 (MANE Select); coding-DNA position 7784, T replaced by C.
Protein change: p.Ile2595Thr; replaces isoleucine 2595 with threonine.
Molecular consequence: missense variant.
Genome position (GRCh38, 1-based): chr3:142,449,580, A>G on the plus strand (T>C on the coding strand, the complement: ATR is on the minus strand). VCF-style: chr3-142449580-A-G. GRCh37 (hg19) VCF-style: chr3-142168422-A-G.
Other names: c.7592T>C, p.Ile2531Thr (NM_001354579.2); short protein forms I2595T, I2531T.
Identifiers: ClinVar variation 2963401 (VCV002963401.3), dbSNP rs2473009250, ClinGen allele CA354793942.

ClinVar aggregate classification (germline): Uncertain significance (1 of 4 stars; one submission).

Submission:

Labcorp Genetics (formerly Invitae), Labcorp
Classification: Uncertain significance. Last evaluated: 2024-05-06. Review status: criteria provided, single submitter. Criteria: Invitae Variant Classification Sherloc (09022015). Collection method: clinical testing. Allele origin: germline.
Comment: This sequence change replaces isoleucine, which is neutral and non-polar, with threonine, which is neutral and polar, at codon 2595 of the ATR protein (p.Ile2595Thr). This variant is not present in population databases (gnomAD no frequency). This variant has not been reported in the literature in individuals affected with ATR-related conditions. An algorithm developed to predict the effect of missense changes on protein structure and function (PolyPhen-2) suggests that this variant is likely to be disruptive. In summary, the available evidence is currently insufficient to determine the role of this variant in disease. Therefore, it has been classified as a Variant of Uncertain Significance.